The following is an entry in ClinVar:

ClinVar aggregate classification (germline): Uncertain significance (1 of 4 stars; one submission).

Conditions:
Developmental and epileptic encephalopathy, 31A. Also called: Developmental and epileptic encephalopathy, 31; Epileptic encephalopathy, early infantile, 31. Identifiers: Orphanet 2382, MedGen C4225357, MONDO:0014598, OMIM 616346.

Submission:

Labcorp Genetics (formerly Invitae), Labcorp
Classification: Uncertain significance for Developmental and epileptic encephalopathy, 31A. Last evaluated: 2022-11-24. Review status: criteria provided, single submitter. Criteria: Invitae Variant Classification Sherloc (09022015). Collection method: clinical testing. Allele origin: germline.
Comment: This sequence change falls in intron 1 of the DNM1 gene. It does not directly change the encoded amino acid sequence of the DNM1 protein. It affects a nucleotide within the consensus splice site. Information on the frequency of this variant in the gnomAD database is not available, as this variant may be reported differently in the database. This variant has not been reported in the literature in individuals affected with DNM1-related conditions. Variants that disrupt the consensus splice site are a relatively common cause of aberrant splicing (PMID: 17576681, 9536098). Experimental studies and prediction algorithms are not available or were not evaluated, and the effect of this variant on mRNA splicing is currently unknown. In summary, the available evidence is currently insufficient to determine the role of this variant in disease. Therefore, it has been classified as a Variant of Uncertain Significance.

Literature cited by the submitters: PubMed 17576681; PubMed 9536098.

NM_004408.4(DNM1):c.161+5_161+6delinsTT

Genes: CIZ1 (CDKN1A interacting zinc finger protein 1; minus strand), DNM1 (dynamin 1; plus strand). Cytogenetic location: 9q34.11.
Variant type: Indel.
Coding change: c.161+5_161+6delinsTT on transcript NM_004408.4 (MANE Select); bases 5 to 6 of the intron after coding-DNA position 161, GC replaced by TT.
Molecular consequence: intron variant.
Genome position (GRCh38, 1-based): chr9:128,203,636-128,203,637, GC replaced by TT. VCF-style: chr9-128203636-GC-TT. GRCh37 (hg19) VCF-style: chr9-130965915-GC-TT.
Other names: c.-6+549_-6+550delinsAA (NM_001131015.2, NM_012127.3); c.161+5_161+6delinsTT (NM_001005336.3, NM_001374269.1, NM_001288738.2 and 2 more transcripts).
Identifiers: ClinVar variation 2816526 (VCV002816526.3), dbSNP rs2538913182, ClinGen allele CA2739265045.